The following is an entry in ClinVar:

ClinVar aggregate classification (germline): Uncertain significance. Review status: criteria provided, multiple submitters, no conflicts (2 of 4 stars). 3 submissions from 3 submitters: Uncertain significance (3). Last evaluated 2025-07-07.

Conditions:
Mitochondrial complex II deficiency, nuclear type 1. Also called: SUCCINATE CoQ REDUCTASE DEFICIENCY. Identifiers: Orphanet 3208, MedGen C5700310, MONDO:0100294, OMIM 252011.
Pheochromocytoma/paraganglioma syndrome 5. Also called: Paragangliomas 5; SDHA-Related Hereditary Paraganglioma-Pheochromocytoma Syndrome. Identifiers: Orphanet 29072, MedGen C3279992, MONDO:0013602, OMIM 614165.
Hereditary cancer-predisposing syndrome. Also called: Hereditary Cancer Syndrome; Neoplastic Syndromes, Hereditary; Tumor predisposition; Hereditary neoplastic syndrome. Identifiers: Orphanet 140162, MedGen C0027672, MeSH D009386, MONDO:0015356.

gnomAD v4.1: 1 of 1,614,116 alleles (0.000062%); highest among the groups gnomAD compares: Non-Finnish European, 0.000085%; no homozygotes.

Submissions (3):

Ambry Genetics
Classification: Uncertain significance for Hereditary cancer-predisposing syndrome. Last evaluated: 2025-07-07. Review status: criteria provided, single submitter. Criteria: Ambry Variant Classification Scheme 2023. Collection method: clinical testing. Allele origin: germline.
Comment: The p.T308K variant (also known as c.923C>A), located in coding exon 8 of the SDHA gene, results from a C to A substitution at nucleotide position 923. The threonine at codon 308 is replaced by lysine, an amino acid with similar properties. This amino acid position is highly conserved in available vertebrate species. In addition, this alteration is predicted to be deleterious by in silico analysis. Based on the available evidence, the clinical significance of this variant remains unclear.

Clinical Genetics Laboratory, Skane University Hospital Lund
Classification: Uncertain significance. Last evaluated: 2023-03-09. Review status: criteria provided, single submitter. Criteria: ACMG Guidelines, 2015. Collection method: clinical testing. Allele origin: germline. Affected: yes.

Labcorp Genetics (formerly Invitae), Labcorp
Classification: Uncertain significance for Pheochromocytoma/paraganglioma syndrome 5; Mitochondrial complex II deficiency, nuclear type 1. Last evaluated: 2022-09-13. Review status: criteria provided, single submitter. Criteria: Invitae Variant Classification Sherloc (09022015). Collection method: clinical testing. Allele origin: germline.
Comment: In summary, the available evidence is currently insufficient to determine the role of this variant in disease. Therefore, it has been classified as a Variant of Uncertain Significance. This variant disrupts the p.Thr308 amino acid residue in SDHA. Other variant(s) that disrupt this residue have been determined to be pathogenic (PMID: 28500238, 28546994; Invitae). This suggests that this residue is clinically significant, and that variants that disrupt this residue are likely to be disease-causing. Algorithms developed to predict the effect of sequence changes on RNA splicing suggest that this variant may create or strengthen a splice site. Algorithms developed to predict the effect of missense changes on protein structure and function (SIFT, PolyPhen-2, Align-GVGD) all suggest that this variant is likely to be disruptive. This variant has not been reported in the literature in individuals affected with SDHA-related conditions. This variant is not present in population databases (gnomAD no frequency). This sequence change replaces threonine, which is neutral and polar, with lysine, which is basic and polar, at codon 308 of the SDHA protein (p.Thr308Lys).

Literature cited by the submitters: PubMed 28500238 (cited by Labcorp Genetics (formerly Invitae), Labcorp); PubMed 28546994 (cited by Labcorp Genetics (formerly Invitae), Labcorp).

NM_004168.4(SDHA):c.923C>A (p.Thr308Lys)

Gene: SDHA (succinate dehydrogenase complex flavoprotein subunit A; plus strand). Cytogenetic location: 5p15.33.
Variant type: single nucleotide variant.
Coding change: c.923C>A on transcript NM_004168.4 (MANE Select); coding-DNA position 923, C replaced by A.
Protein change: p.Thr308Lys; replaces threonine 308 with lysine.
Molecular consequence: missense variant.
Genome position (GRCh38, 1-based): chr5:233,504, C>A. VCF-style: chr5-233504-C-A. GRCh37 (hg19) VCF-style: chr5-233619-C-A.
Other names: c.779C>A, p.Thr260Lys (NM_001294332.2); c.923C>A, p.Thr308Lys (NM_001330758.2); c.923C>A (NM_004168.2); short protein forms T308K, T260K.
Identifiers: ClinVar variation 2154167 (VCV002154167.6), dbSNP rs1457666982, ClinGen allele CA359012569.